The following is an entry in ClinVar:

NM_004629.2(FANCG):c.185C>G (p.Ala62Gly)

Gene: FANCG (FA complementation group G; minus strand). Cytogenetic location: 9p13.3.
Variant type: single nucleotide variant.
Coding change: c.185C>G on transcript NM_004629.2 (MANE Select); coding-DNA position 185, C replaced by G.
Protein change: p.Ala62Gly; replaces alanine 62 with glycine.
Molecular consequence: missense variant.
Genome position (GRCh38, 1-based): chr9:35,078,727, G>C on the plus strand (C>G on the coding strand, the complement: FANCG is on the minus strand). VCF-style: chr9-35078727-G-C. GRCh37 (hg19) VCF-style: chr9-35078724-G-C.
Other names: short protein forms A62G.
Identifiers: ClinVar variation 4022504 (VCV004022504.1).

ClinVar aggregate classification (germline): Uncertain significance (1 of 4 stars; one submission).

Conditions:
Inborn genetic diseases. Identifiers: MedGen C0950123, MeSH D030342.

Submission:

Ambry Genetics
Classification: Uncertain significance for Inborn genetic diseases. Last evaluated: 2025-05-02. Review status: criteria provided, single submitter. Criteria: Ambry Variant Classification Scheme 2023. Collection method: clinical testing. Allele origin: germline.
Comment: The p.A62G variant (also known as c.185C>G), located in coding exon 3 of the FANCG gene, results from a C to G substitution at nucleotide position 185. The alanine at codon 62 is replaced by glycine, an amino acid with similar properties. This amino acid position is conserved. In addition, this alteration is predicted to be tolerated by in silico analysis. Based on the available evidence, the clinical significance of this variant remains unclear.